The following is an entry in ClinVar:

NM_000199.5(SGSH):c.628T>C (p.Trp210Arg)

Gene: SGSH (N-sulfoglucosamine sulfohydrolase; minus strand). Cytogenetic location: 17q25.3.
Variant type: single nucleotide variant.
Coding change: c.628T>C on transcript NM_000199.5 (MANE Select); coding-DNA position 628, T replaced by C.
Protein change: p.Trp210Arg; replaces tryptophan 210 with arginine.
Molecular consequence: missense variant. On other transcripts: non-coding transcript variant (1).
Genome position (GRCh38, 1-based): chr17:80,214,207, A>G on the plus strand (T>C on the coding strand, the complement: SGSH is on the minus strand). VCF-style: chr17-80214207-A-G. GRCh37 (hg19) VCF-style: chr17-78188006-A-G.
Other names: c.628T>C, p.Trp210Arg (NM_001352921.3, NM_001352922.2); short protein forms W210R.
Identifiers: ClinVar variation 1495951 (VCV001495951.8), dbSNP rs1268158872, ClinGen allele CA401361830.

ClinVar aggregate classification (germline): Uncertain significance (1 of 4 stars; one submission).

Conditions:
Mucopolysaccharidosis, MPS-III-A (MPS3A). Also called: HEPARAN SULFATE SULFATASE DEFICIENCY; SANFILIPPO SYNDROME A; SULFAMIDASE DEFICIENCY; MPS III A; MPS IIIA (Sanfilippo Syndrome Type A); Mucopolysaccharidosis type IIIA (Sanfilippo A). Identifiers: Orphanet 581, Orphanet 79269, MedGen C0086647, MONDO:0009655, OMIM 252900.

Allele frequency attached by ClinVar (database versions not stated): TOPMed below 0.00001.
gnomAD v4.1: 1 of 1,612,258 alleles (0.000062%); highest among the groups gnomAD compares: South Asian, 0.0011%; no homozygotes.

Submission:

Labcorp Genetics (formerly Invitae), Labcorp
Classification: Uncertain significance for Mucopolysaccharidosis, MPS-III-A. Last evaluated: 2022-06-13. Review status: criteria provided, single submitter. Criteria: Invitae Variant Classification Sherloc (09022015). Collection method: clinical testing. Allele origin: germline.
Comment: In summary, the available evidence is currently insufficient to determine the role of this variant in disease. Therefore, it has been classified as a Variant of Uncertain Significance. Advanced modeling of protein sequence and biophysical properties (such as structural, functional, and spatial information, amino acid conservation, physicochemical variation, residue mobility, and thermodynamic stability) performed at Invitae indicates that this missense variant is expected to disrupt SGSH protein function. This variant has not been reported in the literature in individuals affected with SGSH-related conditions. This variant is not present in population databases (gnomAD no frequency). This sequence change replaces tryptophan, which is neutral and slightly polar, with arginine, which is basic and polar, at codon 210 of the SGSH protein (p.Trp210Arg).